The following is an entry in ClinVar:

NM_001035.3(RYR2):c.1603G>A (p.Glu535Lys)

Gene: RYR2 (ryanodine receptor 2; plus strand). Cytogenetic location: 1q43.
Variant type: single nucleotide variant.
Coding change: c.1603G>A on transcript NM_001035.3 (MANE Select); coding-DNA position 1603, G replaced by A.
Protein change: p.Glu535Lys; replaces glutamic acid 535 with lysine.
Molecular consequence: missense variant.
Genome position (GRCh38, 1-based): chr1:237,456,726, G>A. VCF-style: chr1-237456726-G-A. GRCh37 (hg19) VCF-style: chr1-237620026-G-A.
Other names: short protein forms E535K.
Identifiers: ClinVar variation 4843941 (VCV004843941.1).

ClinVar aggregate classification (germline): Uncertain significance (1 of 4 stars; one submission).

Conditions:
Cardiovascular phenotype. Identifiers: MedGen CN230736.

Submission:

Ambry Genetics
Classification: Uncertain significance for Cardiovascular phenotype. Last evaluated: 2026-01-12. Review status: criteria provided, single submitter. Criteria: Ambry Variant Classification Scheme 2023. Collection method: clinical testing. Allele origin: germline.
Comment: The p.E535K variant (also known as c.1603G>A), located in coding exon 16 of the RYR2 gene, results from a G to A substitution at nucleotide position 1603. The glutamic acid at codon 535 is replaced by lysine, an amino acid with similar properties. This amino acid position is conserved. In addition, the in silico prediction for this alteration is inconclusive. Based on the available evidence, the clinical significance of this variant remains unclear.